The following is an entry in ClinVar:

ClinVar aggregate classification (germline): Uncertain significance (1 of 4 stars; one submission).

Submission:

Labcorp Genetics (formerly Invitae), Labcorp
Classification: Uncertain significance. Last evaluated: 2021-10-10. Review status: criteria provided, single submitter. Criteria: Invitae Variant Classification Sherloc (09022015). Collection method: clinical testing. Allele origin: germline.
Comment: In summary, the available evidence is currently insufficient to determine the role of this variant in disease. Therefore, it has been classified as a Variant of Uncertain Significance. Algorithms developed to predict the effect of missense changes on protein structure and function (SIFT, PolyPhen-2, Align-GVGD) all suggest that this variant is likely to be tolerated. This variant has not been reported in the literature in individuals affected with ASAH1-related conditions. This variant is not present in population databases (ExAC no frequency). This sequence change replaces alanine with glycine at codon 8 of the ASAH1 protein (p.Ala8Gly). The alanine residue is weakly conserved and there is a small physicochemical difference between alanine and glycine.

NM_177924.5(ASAH1):c.23C>G (p.Ala8Gly)

Genes: ASAH1 (N-acylsphingosine amidohydrolase 1; minus strand), LOC129999940 (ATAC-STARR-seq lymphoblastoid silent region 18966; plus strand). Cytogenetic location: 8p22.
Variant type: single nucleotide variant.
Coding change: c.23C>G on transcript NM_177924.5 (MANE Select); coding-DNA position 23, C replaced by G.
Protein change: p.Ala8Gly; replaces alanine 8 with glycine.
Molecular consequence: missense variant. On other transcripts: intron variant (2).
Genome position (GRCh38, 1-based): chr8:18,084,036, G>C on the plus strand (C>G on the coding strand, the complement: ASAH1 is on the minus strand). VCF-style: chr8-18084036-G-C. GRCh37 (hg19) VCF-style: chr8-17941545-G-C.
Other names: c.126+640C>G (NM_004315.6, NM_001127505.3); short protein forms A8G.
Identifiers: ClinVar variation 1441973 (VCV001441973.6), dbSNP rs1022499156, ClinGen allele CA370435865.